The following is an entry in ClinVar:

NM_022455.5(NSD1):c.6845C>G (p.Pro2282Arg)

Gene: NSD1 (nuclear receptor binding SET domain protein 1; plus strand). Cytogenetic location: 5q35.3.
Variant type: single nucleotide variant.
Coding change: c.6845C>G on transcript NM_022455.5 (MANE Select); coding-DNA position 6845, C replaced by G.
Protein change: p.Pro2282Arg; replaces proline 2282 with arginine.
Molecular consequence: missense variant.
Genome position (GRCh38, 1-based): chr5:177,294,213, C>G. VCF-style: chr5-177294213-C-G. GRCh37 (hg19) VCF-style: chr5-176721214-C-G.
Other names: c.5972C>G, p.Pro1991Arg (NM_001365684.2, NM_001409308.1, NM_172349.5); c.6845C>G, p.Pro2282Arg (NM_001409301.1, NM_001409302.1, NM_001409303.1); c.6425C>G, p.Pro2142Arg (NM_001409304.1); c.6092C>G, p.Pro2031Arg (NM_001409305.1); c.6083C>G, p.Pro2028Arg (NM_001409306.1, NM_001409307.1); c.5723C>G, p.Pro1908Arg (NM_001409309.1); short protein forms P2282R, P2013R, P2028R, P1908R, P1991R, P2031R, P2142R.
Identifiers: ClinVar variation 1413949 (VCV001413949.12), dbSNP rs539453877, ClinGen allele CA3578050.

ClinVar aggregate classification (germline): Conflicting classifications of pathogenicity. Review status: criteria provided, conflicting classifications (1 of 4 stars). 4 submissions from 4 submitters: Uncertain significance (2); Benign (1); Likely benign (1). Last evaluated 2025-12-08.

Conditions:
Sotos syndrome (SOTOS). Also called: SOTOS SYNDROME 1; CEREBRAL GIGANTISM; Sotos' syndrome; CHROMOSOME 5q35 DELETION SYNDROME; Distinctive facial appearance, overgrowth in childhood, and learning disabilities or delayed development. Identifiers: Orphanet 821, MedGen C0175695, MONDO:0019349, OMIM 117550.
Inborn genetic diseases. Identifiers: MedGen C0950123, MeSH D030342.

Allele frequency attached by ClinVar (database versions not stated): gnomAD exomes 0.00002 and 0.00003; ExAC 0.00006; 1000 Genomes Project 30x 0.00016; 1000 Genomes Project 0.00020.
gnomAD v4.1: 29 of 1,613,496 alleles (0.0018%); highest among the groups gnomAD compares: South Asian, 0.031%; no homozygotes.

Submissions (4):

Ambry Genetics
Classification: Likely benign for Inborn genetic diseases. Last evaluated: 2025-12-08. Review status: criteria provided, single submitter. Criteria: Ambry Variant Classification Scheme 2023. Collection method: clinical testing. Allele origin: germline.

Labcorp Genetics (formerly Invitae), Labcorp
Classification: Benign. Last evaluated: 2025-11-24. Review status: criteria provided, single submitter. Criteria: Invitae Variant Classification Sherloc (09022015). Collection method: clinical testing. Allele origin: germline.

Dasa
Classification: Uncertain significance. Last evaluated: 2025-08-05. Review status: criteria provided, single submitter. Criteria: DASA Assertion Criteria. Collection method: clinical testing. Allele origin: germline.
Comment: NM_022455.5(NSD1):c.6845C>G (p.Pro2282Arg) is a missense variant that results in the substitution of proline with arginine. This variant is rare in population databases. Computational prediction algorithms are consistent with a benign effect. The currently available literature and clinical evidence are not sufficient to establish a definitive association between this variant and the reported condition. Therefore, this variant is classified as a variant of uncertain significance.

Fulgent Genetics
Classification: Uncertain significance for Sotos syndrome. Last evaluated: 2022-03-22. Review status: criteria provided, single submitter. Criteria: ACMG Guidelines, 2015. Collection method: clinical testing. Allele origin: unknown.